The following is an entry in ClinVar:

NM_000540.3(RYR1):c.7318A>G (p.Met2440Val)

Gene: RYR1 (ryanodine receptor 1; plus strand). Cytogenetic location: 19q13.2.
Variant type: single nucleotide variant.
Coding change: c.7318A>G on transcript NM_000540.3 (MANE Select); coding-DNA position 7318, A replaced by G.
Protein change: p.Met2440Val; replaces methionine 2440 with valine.
Molecular consequence: missense variant.
Genome position (GRCh38, 1-based): chr19:38,500,011, A>G. VCF-style: chr19-38500011-A-G. GRCh37 (hg19) VCF-style: chr19-38990651-A-G.
Other names: c.7318A>G, p.Met2440Val (NM_001042723.2); short protein forms M2440V.
Identifiers: ClinVar variation 3668040 (VCV003668040.3).

ClinVar aggregate classification (germline): Uncertain significance. Review status: criteria provided, multiple submitters, no conflicts (2 of 4 stars). 2 submissions from 2 submitters: Uncertain significance (2). Last evaluated 2024-12-03.

Conditions:
RYR1-related disorder. Also called: RYR1-related condition; RYR1-related disorders. Identifiers: MedGen CN239331.

Submissions (2):

Labcorp Genetics (formerly Invitae), Labcorp
Classification: Uncertain significance for RYR1-related disorder. Last evaluated: 2024-12-03. Review status: criteria provided, single submitter. Criteria: Invitae Variant Classification Sherloc (09022015). Collection method: clinical testing. Allele origin: germline.
Comment: This sequence change replaces methionine, which is neutral and non-polar, with valine, which is neutral and non-polar, at codon 2440 of the RYR1 protein (p.Met2440Val). This variant is not present in population databases (gnomAD no frequency). This variant has not been reported in the literature in individuals affected with RYR1-related conditions. Invitae Evidence Modeling of protein sequence and biophysical properties (such as structural, functional, and spatial information, amino acid conservation, physicochemical variation, residue mobility, and thermodynamic stability) has been performed for this missense variant. However, the output from this modeling did not meet the statistical confidence thresholds required to predict the impact of this variant on RYR1 protein function. Algorithms developed to predict the effect of sequence changes on RNA splicing suggest that this variant may disrupt the consensus splice site. In summary, the available evidence is currently insufficient to determine the role of this variant in disease. Therefore, it has been classified as a Variant of Uncertain Significance.

Blueprint Genetics
Classification: Uncertain significance. Last evaluated: 2022-06-28. Review status: criteria provided, single submitter. Criteria: ACMG Guidelines, 2015. Collection method: clinical testing. Allele origin: germline.